The following is an entry in ClinVar:

ClinVar aggregate classification (germline): Uncertain significance (1 of 4 stars; one submission).

Conditions:
Charcot-Marie-Tooth disease type 4. Also called: Charcot-Marie-Tooth disease, type IV; Charcot-Marie-Tooth, Type 4. Identifiers: Orphanet 64749, MedGen C4082197, MONDO:0018995.

Allele frequency attached by ClinVar (database versions not stated): TOPMed below 0.00001; gnomAD 0.00001; gnomAD exomes 0.00001; ExAC 0.00003.
gnomAD v4.1: 18 of 1,614,120 alleles (0.0011%); highest among the groups gnomAD compares: African/African-American, 0.0053%; no homozygotes.

Submission:

Labcorp Genetics (formerly Invitae), Labcorp
Classification: Uncertain significance for Charcot-Marie-Tooth disease type 4. Last evaluated: 2022-08-20. Review status: criteria provided, single submitter. Criteria: Invitae Variant Classification Sherloc (09022015). Collection method: clinical testing. Allele origin: germline.
Comment: This sequence change replaces glycine, which is neutral and non-polar, with serine, which is neutral and polar, at codon 291 of the NDRG1 protein (p.Gly291Ser). This variant is present in population databases (rs774885520, gnomAD 0.004%). This variant has not been reported in the literature in individuals affected with NDRG1-related conditions. Algorithms developed to predict the effect of missense changes on protein structure and function are either unavailable or do not agree on the potential impact of this missense change (SIFT: "Tolerated"; PolyPhen-2: "Probably Damaging"; Align-GVGD: "Class C0"). In summary, the available evidence is currently insufficient to determine the role of this variant in disease. Therefore, it has been classified as a Variant of Uncertain Significance.

NM_006096.4(NDRG1):c.871G>A (p.Gly291Ser)

Gene: NDRG1 (N-myc downstream regulated 1; minus strand). Cytogenetic location: 8q24.22.
Variant type: single nucleotide variant.
Coding change: c.871G>A on transcript NM_006096.4 (MANE Select); coding-DNA position 871, G replaced by A.
Protein change: p.Gly291Ser; replaces glycine 291 with serine.
Molecular consequence: missense variant.
Genome position (GRCh38, 1-based): chr8:133,244,375, C>T on the plus strand (G>A on the coding strand, the complement: NDRG1 is on the minus strand). VCF-style: chr8-133244375-C-T. GRCh37 (hg19) VCF-style: chr8-134256618-C-T.
Other names: c.871G>A, p.Gly291Ser (NM_001135242.2, NM_001374845.1, NM_001374846.1); c.673G>A, p.Gly225Ser (NM_001258432.2, NM_001374847.1); c.628G>A, p.Gly210Ser (NM_001258433.2); c.922G>A, p.Gly308Ser (NM_001374844.1); short protein forms G308S, G291S, G210S, G225S.
Identifiers: ClinVar variation 1983631 (VCV001983631.1), dbSNP rs774885520, ClinGen allele CA4886520.